The following is an entry in ClinVar:

NM_014244.5(ADAMTS2):c.3064A>T (p.Thr1022Ser)

Gene: ADAMTS2 (ADAM metallopeptidase with thrombospondin type 1 motif 2; minus strand). Cytogenetic location: 5q35.3.
Variant type: single nucleotide variant.
Coding change: c.3064A>T on transcript NM_014244.5 (MANE Select); coding-DNA position 3064, A replaced by T.
Protein change: p.Thr1022Ser; replaces threonine 1022 with serine.
Molecular consequence: missense variant.
Genome position (GRCh38, 1-based): chr5:179,122,668, T>A on the plus strand (A>T on the coding strand, the complement: ADAMTS2 is on the minus strand). VCF-style: chr5-179122668-T-A. GRCh37 (hg19) VCF-style: chr5-178549669-T-A.
Other names: short protein forms T1022S.
Identifiers: ClinVar variation 576508 (VCV000576508.10), dbSNP rs1434954526, ClinGen allele CA362417913.

ClinVar aggregate classification (germline): Uncertain significance. Review status: criteria provided, single submitter (1 of 4 stars). 2 submissions from 2 submitters: Uncertain significance (1). 1 of the submissions does not count toward it. Last evaluated 2021-09-01.

Conditions:
Ehlers-Danlos syndrome, dermatosparaxis type. Also called: Ehlers-Danlos syndrome, type VII, autosomal recessive; Dermatosparaxis; EDS VIIC. Identifiers: Orphanet 1901, MedGen C2700425, MONDO:0009161, OMIM 225410.

Allele frequency attached by ClinVar (database versions not stated): gnomAD 0.00001; gnomAD exomes 0.00001; TOPMed 0.00001.
gnomAD v4.1: 8 of 1,551,286 alleles (0.00052%); highest among the groups gnomAD compares: Non-Finnish European, 0.0007%; no homozygotes.

Submissions (2):

Labcorp Genetics (formerly Invitae), Labcorp
Classification: Uncertain significance for Ehlers-Danlos syndrome, dermatosparaxis type. Last evaluated: 2021-09-01. Review status: criteria provided, single submitter. Criteria: Invitae Variant Classification Sherloc (09022015). Collection method: clinical testing. Allele origin: germline.
Comment: This sequence change replaces threonine with serine at codon 1022 of the ADAMTS2 protein (p.Thr1022Ser). The threonine residue is weakly conserved and there is a small physicochemical difference between threonine and serine. This variant is not present in population databases (ExAC no frequency). This variant has not been reported in the literature in individuals affected with ADAMTS2-related conditions. Algorithms developed to predict the effect of missense changes on protein structure and function (SIFT, PolyPhen-2, Align-GVGD) all suggest that this variant is likely to be tolerated. In summary, the available evidence is currently insufficient to determine the role of this variant in disease. Therefore, it has been classified as a Variant of Uncertain Significance.

Natera, Inc.
Classification: Uncertain significance for Ehlers-Danlos syndrome type VIIC. Last evaluated: 2020-12-08. Review status: no assertion criteria provided. Collection method: clinical testing. Allele origin: germline. Not counted in ClinVar's aggregate classification.